The following is an entry in ClinVar:

ClinVar aggregate classification (germline): Pathogenic. Review status: criteria provided, multiple submitters, no conflicts (2 of 4 stars). 2 submissions from 2 submitters: Pathogenic (2). Last evaluated 2026-04-21.

Conditions:
Neurofibromatosis, type 2 (SWNV). Also called: BILATERAL ACOUSTIC NEUROFIBROMATOSIS; SCHWANNOMATOSIS, VESTIBULAR; NF2-Related Schwannomatosis. Identifiers: Orphanet 637, MedGen C0027832, MONDO:0007039, OMIM 101000. Disease mechanism: loss of function.

Submissions (2):

GeneDx
Classification: Pathogenic. Last evaluated: 2026-04-21. Review status: criteria provided, single submitter. Criteria: GeneDx Variant Classification Process June 2021. Collection method: clinical testing. Allele origin: germline.
Comment: Canonical splice site variant predicted to result in an in-frame loss of the adjacent exon in a gene for which loss of function is a known mechanism of disease; Not observed at significant frequency in large population cohorts (gnomAD); This variant is associated with the following publications: (PMID: 25525159, 41019916, 15684865, 35729665)

Diagnostics Services (NGS), CSIR - Centre For Cellular And Molecular Biology
Classification: Pathogenic for Neurofibromatosis, type 2. Last evaluated: 2021-11-15. Review status: criteria provided, single submitter. Criteria: ACMG Guidelines, 2015. Collection method: clinical testing. Allele origin: germline. Inheritance: Autosomal dominant inheritance. Affected: yes. Observed: 1 variant allele, 1 heterozygote.
Comment: The c.447+2T>C variant is not present in publicly available population databases like 1000 Genomes, Exome Variant Server (EVS), Exome Aggregation Consortium (ExAC), Genome Aggregation Database (gnomAD) and dbSNP. The variant is not present in Indian Exome Database and in our in-house exome database. The variant was earlier identified in patients affected with neurofibromatosis [PMID:15684865] and was reported to Human Genome Mutation Database (HGMD ID: CS045484). In-silico pathogenicity prediction programs like MutationTaster2, CADD, Varsome, HSF3 etc. predicted this variant to be likely disease causing by affecting splicing of the mRNA.

Literature cited by the submitters: PubMed 15684865 (cited by Diagnostics Services (NGS), CSIR - Centre For Cellular And Molecular Biology).

NM_000268.4(NF2):c.447+2T>C

Gene: NF2 (NF2, moesin-ezrin-radixin like (MERLIN) tumor suppressor; plus strand). Cytogenetic location: 22q12.2.
Variant type: single nucleotide variant.
Coding change: c.447+2T>C on transcript NM_000268.4 (MANE Select); the canonical splice donor site of the intron after coding-DNA position 447, T replaced by C.
Molecular consequence: splice donor variant.
Genome position (GRCh38, 1-based): chr22:29,642,287, T>C. VCF-style: chr22-29642287-T-C. GRCh37 (hg19) VCF-style: chr22-30038276-T-C.
Other names: c.447+2T>C (NM_001407060.1, NM_001407059.1, NM_001407057.1 and 5 more transcripts); c.324+2T>C (NM_001407058.1, NM_181829.3, NM_001407054.1 and 1 more transcripts); c.321+2T>C (NM_181828.3, NM_001407055.1); c.198+2T>C (NM_001407063.1, NM_181830.3, NM_001407064.1 and 1 more transcripts); c.333+2T>C (NM_001407056.1, NM_001407053.1); c.216+2T>C (NM_001407067.1); c.-194+2T>C (NM_001407065.1).
Identifiers: ClinVar variation 1329492 (VCV001329492.5), dbSNP rs2146895235, ClinGen allele CA411153900.